The following is an entry in ClinVar:

NM_182746.3(MCM4):c.955C>T (p.Arg319Cys)

Gene: MCM4 (minichromosome maintenance complex component 4; plus strand). Cytogenetic location: 8q11.21.
Variant type: single nucleotide variant.
Coding change: c.955C>T on transcript NM_182746.3 (MANE Select); coding-DNA position 955, C replaced by T.
Protein change: p.Arg319Cys; replaces arginine 319 with cysteine.
Molecular consequence: missense variant.
Genome position (GRCh38, 1-based): chr8:47,966,309, C>T. VCF-style: chr8-47966309-C-T. GRCh37 (hg19) VCF-style: chr8-48878869-C-T.
Other names: c.955C>T, p.Arg319Cys (NM_005914.4); c.955C>T (NM_005914.3); short protein forms R319C.
Identifiers: ClinVar variation 2415273 (VCV002415273.5), dbSNP rs372892421, ClinGen allele CA4742470.

ClinVar aggregate classification (germline): Uncertain significance. Review status: criteria provided, multiple submitters, no conflicts (2 of 4 stars). 2 submissions from 2 submitters: Uncertain significance (2). Last evaluated 2024-07-23.

Allele frequency attached by ClinVar (database versions not stated): gnomAD exomes 0.00002; ExAC 0.00003; gnomAD 0.00003; TOPMed 0.00005; ESP Exome Variant Server 0.00008.
gnomAD v4.1: 38 of 1,613,908 alleles (0.0024%); highest among the groups gnomAD compares: East Asian, 0.0067%; no homozygotes.

Submissions (2):

Labcorp Genetics (formerly Invitae), Labcorp
Classification: Uncertain significance. Last evaluated: 2024-07-23. Review status: criteria provided, single submitter. Criteria: Invitae Variant Classification Sherloc (09022015). Collection method: clinical testing. Allele origin: germline.
Comment: This sequence change replaces arginine, which is basic and polar, with cysteine, which is neutral and slightly polar, at codon 319 of the MCM4 protein (p.Arg319Cys). This variant is present in population databases (rs372892421, gnomAD 0.008%). This variant has not been reported in the literature in individuals affected with MCM4-related conditions. ClinVar contains an entry for this variant (Variation ID: 2415273). Advanced modeling of protein sequence and biophysical properties (such as structural, functional, and spatial information, amino acid conservation, physicochemical variation, residue mobility, and thermodynamic stability) performed at Invitae indicates that this missense variant is expected to disrupt MCM4 protein function with a positive predictive value of 80%. In summary, the available evidence is currently insufficient to determine the role of this variant in disease. Therefore, it has been classified as a Variant of Uncertain Significance.

Ambry Genetics
Classification: Uncertain significance. Last evaluated: 2022-12-28. Review status: criteria provided, single submitter. Criteria: Ambry Variant Classification Scheme 2023. Collection method: clinical testing. Allele origin: germline.